The following is an entry in ClinVar:

NM_024570.4(RNASEH2B):c.52T>A (p.Phe18Ile)

Genes: RNASEH2B (ribonuclease H2 subunit B; plus strand), RNASEH2B-AS1 (RNASEH2B antisense RNA 1; minus strand), LOC130009810 (ATAC-STARR-seq lymphoblastoid silent region 5362; plus strand). Cytogenetic location: 13q14.3.
Variant type: single nucleotide variant.
Coding change: c.52T>A on transcript NM_024570.4 (MANE Select); coding-DNA position 52, T replaced by A.
Protein change: p.Phe18Ile; replaces phenylalanine 18 with isoleucine.
Molecular consequence: missense variant.
Genome position (GRCh38, 1-based): chr13:50,910,128, T>A. VCF-style: chr13-50910128-T-A. GRCh37 (hg19) VCF-style: chr13-51484264-T-A.
Other names: c.52T>A, p.Phe18Ile (NM_001142279.2); c.52T>A (NM_024570.3); short protein forms F18I.
Identifiers: ClinVar variation 1027230 (VCV001027230.7), dbSNP rs758877268, ClinGen allele CA6985424.

ClinVar aggregate classification (germline): Uncertain significance. Review status: criteria provided, multiple submitters, no conflicts (2 of 4 stars). 2 submissions from 2 submitters: Uncertain significance (2). Last evaluated 2021-08-26.

Conditions:
Aicardi-Goutieres syndrome 2. Identifiers: Orphanet 51, MedGen C3489724, MONDO:0012429, OMIM 610181.
Inborn genetic diseases. Identifiers: MedGen C0950123, MeSH D030342.

Allele frequency attached by ClinVar (database versions not stated): TOPMed below 0.00001; gnomAD 0.00001; gnomAD exomes 0.00001 and 0.00003; ExAC 0.00017.
gnomAD v4.1: 15 of 1,456,944 alleles (0.001%); highest among the groups gnomAD compares: South Asian, 0.0027%; no homozygotes.

Submissions (2):

Labcorp Genetics (formerly Invitae), Labcorp
Classification: Uncertain significance for Aicardi-Goutieres syndrome 2. Last evaluated: 2021-08-26. Review status: criteria provided, single submitter. Criteria: Invitae Variant Classification Sherloc (09022015). Collection method: clinical testing. Allele origin: germline.
Comment: This sequence change replaces phenylalanine with isoleucine at codon 18 of the RNASEH2B protein (p.Phe18Ile). The phenylalanine residue is weakly conserved and there is a small physicochemical difference between phenylalanine and isoleucine. While this variant is present in population databases (rs758877268), the frequency information is unreliable, as metrics indicate poor data quality at this position in the ExAC database. This variant has not been reported in the literature in individuals affected with RNASEH2B-related conditions. Algorithms developed to predict the effect of missense changes on protein structure and function (SIFT, PolyPhen-2, Align-GVGD) all suggest that this variant is likely to be tolerated. In summary, the available evidence is currently insufficient to determine the role of this variant in disease. Therefore, it has been classified as a Variant of Uncertain Significance.

Ambry Genetics
Classification: Uncertain significance for Inborn genetic diseases. Last evaluated: 2020-10-30. Review status: criteria provided, single submitter. Criteria: Ambry Variant Classification Scheme 2023. Collection method: clinical testing. Allele origin: germline.
Comment: The c.52T>A (p.F18I) alteration is located in exon 1 (coding exon 1) of the RNASEH2B gene. This alteration results from a T to A substitution at nucleotide position 52, causing the phenylalanine (F) at amino acid position 18 to be replaced by an isoleucine (I). Based on data from the Genome Aggregation Database (gnomAD) database, the RNASEH2B c.52T>A alteration was observed in 0.003% (2/71988) of total alleles studied. This amino acid position is well conserved in available vertebrate species. The in silico prediction for the p.F18I alteration is inconclusive. Based on insufficient or conflicting evidence, the clinical significance of this alteration remains unclear.